The following is an entry in ClinVar:

NM_000465.4(BARD1):c.*9C>T

Gene: BARD1 (BRCA1 associated RING domain 1; minus strand). Cytogenetic location: 2q35.
Variant type: single nucleotide variant.
Coding change: c.*9C>T on transcript NM_000465.4 (MANE Select); 9 bases downstream of the stop codon, C replaced by T.
Molecular consequence: 3 prime UTR variant. On other transcripts: non-coding transcript variant (3).
Genome position (GRCh38, 1-based): chr2:214,728,667, G>A on the plus strand (C>T on the coding strand, the complement: BARD1 is on the minus strand). VCF-style: chr2-214728667-G-A. GRCh37 (hg19) VCF-style: chr2-215593391-G-A.
Other names: c.*9C>T (NM_001282543.2, NM_001282545.2, NM_001282548.2 and 1 more transcripts).
Identifiers: ClinVar variation 3572098 (VCV003572098.1).

ClinVar aggregate classification (germline): Uncertain significance (1 of 4 stars; one submission).

gnomAD v4.1: 7 of 1,613,404 alleles (0.00043%); highest among the groups gnomAD compares: Non-Finnish European, 0.00059%; no homozygotes.

Submission:

Quest Diagnostics Nichols Institute San Juan Capistrano
Classification: Uncertain significance. Last evaluated: 2024-02-13. Review status: criteria provided, single submitter. Criteria: Quest Diagnostics criteria. Collection method: clinical testing. Allele origin: unknown.
Comment: The BARD1 c.*9C>T variant has not been reported in individuals with BARD1-related conditions in the published literature. The frequency of this variant in the general population, 0.000004 (1/250192 chromosomes (Genome Aggregation Database)), is uninformative in the assessment of its pathogenicity. Based on the available information, we are unable to determine the clinical significance of this variant.